The following is an entry in ClinVar:

ClinVar aggregate classification (germline): Uncertain significance (1 of 4 stars; one submission).

Allele frequency attached by ClinVar (database versions not stated): gnomAD 0.00005; TOPMed 0.00008.
gnomAD v4.1: 144 of 1,421,684 alleles (0.01%); highest among the groups gnomAD compares: Non-Finnish European, 0.013%; no homozygotes.

Submission:

GeneDx
Classification: Uncertain significance. Last evaluated: 2021-09-20. Review status: criteria provided, single submitter. Criteria: GeneDx Variant Classification Process June 2021. Collection method: clinical testing. Allele origin: germline. Affected: yes.
Comment: Not observed at significant frequency in large population cohorts (Lek et al., 2016); In silico analysis supports a deleterious effect on splicing; Has not been previously published as pathogenic or benign to our knowledge

NM_001278716.2(FBXL4):c.-72-3T>A

Gene: FBXL4 (F-box and leucine rich repeat protein 4; minus strand). Cytogenetic location: 6q16.2.
Variant type: single nucleotide variant.
Coding change: c.-72-3T>A on transcript NM_001278716.2 (MANE Select); 3 bases into the intron before 72 bases upstream of the start codon, T replaced by A.
Molecular consequence: intron variant.
Genome position (GRCh38, 1-based): chr6:98,927,063, A>T on the plus strand (T>A on the coding strand, the complement: FBXL4 is on the minus strand). VCF-style: chr6-98927063-A-T. GRCh37 (hg19) VCF-style: chr6-99374939-A-T.
Other names: c.-72-3T>A (NM_012160.5).
Identifiers: ClinVar variation 1300466 (VCV001300466.2), dbSNP rs980489943, ClinGen allele CA143888934.